The following is an entry in ClinVar:

NM_001164508.2(NEB):c.2942A>G (p.Glu981Gly)

Gene: NEB (nebulin; minus strand). Cytogenetic location: 2q23.3.
Variant type: single nucleotide variant.
Coding change: c.2942A>G on transcript NM_001164508.2 (MANE Select); coding-DNA position 2942, A replaced by G.
Protein change: p.Glu981Gly; replaces glutamic acid 981 with glycine.
Molecular consequence: missense variant.
Genome position (GRCh38, 1-based): chr2:151,682,663, T>C on the plus strand (A>G on the coding strand, the complement: NEB is on the minus strand). VCF-style: chr2-151682663-T-C. GRCh37 (hg19) VCF-style: chr2-152539177-T-C.
Other names: c.2942A>G, p.Glu981Gly (NM_001164507.2, NM_001271208.2, NM_004543.5); short protein forms E981G.
Identifiers: ClinVar variation 1493297 (VCV001493297.3), dbSNP rs1225494274, ClinGen allele CA348821318.

ClinVar aggregate classification (germline): Uncertain significance (1 of 4 stars; one submission).

Conditions:
Nemaline myopathy 2 (NEM2). Also called: Nemaline myopathy 2, autosomal recessive. Identifiers: MedGen C1850569, MONDO:0009725, OMIM 256030.

Allele frequency attached by ClinVar (database versions not stated): TOPMed below 0.00001.

Submission:

Labcorp Genetics (formerly Invitae), Labcorp
Classification: Uncertain significance for Nemaline myopathy 2. Last evaluated: 2022-07-26. Review status: criteria provided, single submitter. Criteria: Invitae Variant Classification Sherloc (09022015). Collection method: clinical testing. Allele origin: germline.
Comment: This sequence change replaces glutamic acid, which is acidic and polar, with glycine, which is neutral and non-polar, at codon 981 of the NEB protein (p.Glu981Gly). This variant is not present in population databases (gnomAD no frequency). This variant has not been reported in the literature in individuals affected with NEB-related conditions. ClinVar contains an entry for this variant (Variation ID: 1493297). Algorithms developed to predict the effect of missense changes on protein structure and function are either unavailable or do not agree on the potential impact of this missense change (SIFT: "Deleterious"; PolyPhen-2: "Not Available"; Align-GVGD: "Class C0"). Algorithms developed to predict the effect of sequence changes on RNA splicing suggest that this variant may disrupt the consensus splice site. In summary, the available evidence is currently insufficient to determine the role of this variant in disease. Therefore, it has been classified as a Variant of Uncertain Significance.